The following is an entry in ClinVar:

NM_001014.5(RPS10):c.286del (p.Arg96fs)

Genes: RPS10 (ribosomal protein S10; minus strand), RPS10-NUDT3 (RPS10-NUDT3 readthrough; minus strand). Cytogenetic location: 6p21.31.
Variant type: Deletion.
Coding change: c.286del on transcript NM_001014.5 (MANE Select); coding-DNA position 286, one base deleted (C; older notation c.286delC).
Protein change: p.Arg96fs; shifts the reading frame from arginine 96.
Molecular consequence: frameshift variant.
Genome position (GRCh38, 1-based): chr6:34,424,705, G deleted on the plus strand (C on the coding strand, the reverse complement: RPS10 is on the minus strand); the first of 2 consecutive G bases (chr6:34,424,705-34,424,706); deleting either gives the same sequence. VCF-style (leftmost placement, unchanged base first): chr6-34424704-CG-C. GRCh37 (hg19) VCF-style: chr6-34392481-CG-C.
Other names: c.286del, p.Arg96fs (NM_001202470.3, NM_001203245.3, NM_001204091.2); short protein forms R96fs.
Identifiers: ClinVar variation 4854691 (VCV004854691.1).

ClinVar aggregate classification (germline): Likely pathogenic (1 of 4 stars; one submission).

Conditions:
Diamond-Blackfan anemia 9 (DBA9). Also called: RPS10-Related Diamond-Blackfan Anemia. Identifiers: Orphanet 124, MedGen C2750081, MONDO:0013216, OMIM 613308.

Submission:

3billion
Classification: Likely pathogenic for Diamond-Blackfan anemia 9. Last evaluated: 2025-11-18. Review status: criteria provided, single submitter. Criteria: ACMG Guidelines, 2015. Collection method: clinical testing. Allele origin: germline. Affected: yes.
Comment: The variant is not observed in the gnomAD v4.1.0 dataset. Predicted Consequence/Location: Frameshift: predicted to result in a loss or disruption of normal protein function through nonsense-mediated decay (NMD) or protein truncation. Multiple pathogenic variants are reported downstream of the variant. Therefore, this variant is classified as Likely pathogenic according to the recommendation of ACMG/AMP guideline.